The following is an entry in ClinVar:

ClinVar aggregate classification (germline): Likely benign (1 of 4 stars; one submission).

Conditions:
SETX-related disorder. Also called: SETX-related disorders; SETX-related condition. Identifiers: MedGen CN239403.

gnomAD v4.1: 1 of 1,591,998 alleles (0.000063%); highest among the groups gnomAD compares: Non-Finnish European, 0.000086%; no homozygotes.

Submission:

PreventionGenetics, part of Exact Sciences
Classification: Likely benign for SETX-related condition. Last evaluated: 2025-06-24. Review status: criteria provided, single submitter. Criteria: ACMG Guidelines, 2015. Collection method: clinical testing. Allele origin: germline.
Comment: This variant is classified as likely benign based on ACMG/AMP sequence variant interpretation guidelines (Richards et al. 2015 PMID: 25741868, with internal and published modifications).

NM_015046.7(SETX):c.499-6A>T

Gene: SETX (senataxin; minus strand). Cytogenetic location: 9q34.13.
Variant type: single nucleotide variant.
Coding change: c.499-6A>T on transcript NM_015046.7 (MANE Select); 6 bases into the intron before coding-DNA position 499, A replaced by T.
Molecular consequence: intron variant.
Genome position (GRCh38, 1-based): chr9:132,336,521, T>A on the plus strand (A>T on the coding strand, the complement: SETX is on the minus strand). VCF-style: chr9-132336521-T-A. GRCh37 (hg19) VCF-style: chr9-135211908-T-A.
Other names: c.499-6A>T (NM_001351528.2, NM_001351527.2).
Identifiers: ClinVar variation 4989831 (VCV004989831.1).